The following is an entry in ClinVar:

NM_001276270.2(MBD4):c.1394-1_1394insA

Gene: MBD4 (methyl-CpG binding domain 4, DNA glycosylase; minus strand). Cytogenetic location: 3q21.3.
Variant type: Insertion.
Coding change: c.1394-1_1394insA on transcript NM_001276270.2 (MANE Select); the canonical splice acceptor site of the intron before coding-DNA position 1394 through coding-DNA position 1394, A inserted.
Molecular consequence: splice acceptor variant.
Genome position: GRCh38 VCF-style: chr3-129433247-C-CT. GRCh37 (hg19) VCF-style: chr3-129152090-C-CT.
Other names: c.458-1_458insA (NM_001276273.2); c.1412-1_1412insA (NM_001276272.2, NM_003925.3, NM_001276271.2).
Identifiers: ClinVar variation 2825834 (VCV002825834.4), dbSNP rs1559798261, ClinGen allele CA546209252.
Genomic context (GRCh38, chr3:129,433,247, plus strand): 5'-GCTACCTCAGCTGAAGGATACTTCTCCAGAAACTTCCAAAGCACAGGTATTGCCATTTTG[C>CT]CTGGGAAGTAAAAGTAACTGAATGATTACAAGACTCCAGGTGGGCTGATTTCATGTTCAA-3'

ClinVar aggregate classification (germline): Pathogenic/Likely pathogenic. Review status: criteria provided, multiple submitters, no conflicts (2 of 4 stars). 2 submissions from 2 submitters: Pathogenic (1); Likely pathogenic (1). Last evaluated 2025-10-13.

Conditions:
Inborn genetic diseases. Identifiers: MedGen C0950123, MeSH D030342.

Allele frequency attached by ClinVar (database versions not stated): gnomAD exomes below 0.00001; TOPMed below 0.00001.

Submissions (2):

Ambry Genetics
Classification: Pathogenic for Inborn genetic diseases. Last evaluated: 2025-10-13. Review status: criteria provided, single submitter. Criteria: Ambry Variant Classification Scheme 2023. Collection method: clinical testing. Allele origin: germline.
Comment: The c.1394-1_1394insA mutation results from an insertion of an A nucleotide between the the c.1394-1 position and the first nucleotide of exon 6 of the MBD4 gene causing a translational frameshift with a predicted alternate stop codon (p.G465Qfs*19). This insertion is not expected to disrupt the canonical splice site and in silico splice site analysis predicts that this alteration will not have any significant effect on splicing. This alteration is expected to result in loss of function by premature protein truncation or nonsense-mediated mRNA decay. As such, this alteration is interpreted as a disease-causing mutation.

Labcorp Genetics (formerly Invitae), Labcorp
Classification: Likely pathogenic. Last evaluated: 2023-07-10. Review status: criteria provided, single submitter. Criteria: Invitae Variant Classification Sherloc (09022015). Collection method: clinical testing. Allele origin: germline.
Comment: This variant is present in population databases (no rsID available, gnomAD 0.0009%). This variant has not been reported in the literature in individuals affected with MBD4-related conditions. In summary, the currently available evidence indicates that the variant is pathogenic, but additional data are needed to prove that conclusively. Therefore, this variant has been classified as Likely Pathogenic. This sequence change affects a splice site in intron 5 of the MBD4 gene. It is expected to disrupt RNA splicing. Variants that disrupt the donor or acceptor splice site typically lead to a loss of protein function (PMID: 16199547), and loss-of-function variants in MBD4 are known to be pathogenic (PMID: 30049810, 35460607).

Literature cited by the submitters: PubMed 16199547 (cited by Labcorp Genetics (formerly Invitae), Labcorp); PubMed 30049810 (cited by Labcorp Genetics (formerly Invitae), Labcorp); PubMed 35460607 (cited by Labcorp Genetics (formerly Invitae), Labcorp).